The following is an entry in ClinVar:

NM_004693.3(KRT75):c.718G>A (p.Glu240Lys)

Gene: KRT75 (keratin 75; minus strand). Cytogenetic location: 12q13.13.
Variant type: single nucleotide variant.
Coding change: c.718G>A on transcript NM_004693.3 (MANE Select); coding-DNA position 718, G replaced by A.
Protein change: p.Glu240Lys; replaces glutamic acid 240 with lysine.
Molecular consequence: missense variant.
Genome position (GRCh38, 1-based): chr12:52,432,062, C>T on the plus strand (G>A on the coding strand, the complement: KRT75 is on the minus strand). VCF-style: chr12-52432062-C-T. GRCh37 (hg19) VCF-style: chr12-52825846-C-T.
Other names: short protein forms E240K.
Identifiers: ClinVar variation 3052842 (VCV003052842.2), dbSNP rs142963541, ClinGen allele CA6580050.

ClinVar aggregate classification (germline): Likely benign (0 of 4 stars; one submission).

Conditions:
KRT75-related disorder. Also called: KRT75-related condition.

Allele frequency attached by ClinVar (database versions not stated): 1000 Genomes Project 0.00040; ESP Exome Variant Server 0.00046; 1000 Genomes Project 30x 0.00047; TOPMed 0.00050; gnomAD exomes 0.00084; ExAC 0.00105; gnomAD 0.00105.
gnomAD v4.1: 1,391 of 1,614,172 alleles (0.086%); highest among the groups gnomAD compares: Non-Finnish European, 0.064%; 2 homozygotes.

Submission:

PreventionGenetics, part of Exact Sciences
Classification: Likely benign for KRT75-related condition. Last evaluated: 2019-08-29. Review status: no assertion criteria provided. Collection method: clinical testing. Allele origin: germline.
Comment: This variant is classified as likely benign based on ACMG/AMP sequence variant interpretation guidelines (Richards et al. 2015 PMID: 25741868, with internal and published modifications).